The following is an entry in ClinVar:

NM_017636.4(TRPM4):c.2767G>C (p.Val923Leu)

Gene: TRPM4 (transient receptor potential cation channel subfamily M member 4; plus strand). Cytogenetic location: 19q13.33.
Variant type: single nucleotide variant.
Coding change: c.2767G>C on transcript NM_017636.4 (MANE Select); coding-DNA position 2767, G replaced by C.
Protein change: p.Val923Leu; replaces valine 923 with leucine.
Molecular consequence: missense variant.
Genome position (GRCh38, 1-based): chr19:49,200,421, G>C. VCF-style: chr19-49200421-G-C. GRCh37 (hg19) VCF-style: chr19-49703678-G-C.
Other names: c.2332G>C, p.Val778Leu (NM_001195227.2); c.2422G>C, p.Val808Leu (NM_001321281.2); c.1159G>C, p.Val387Leu (NM_001321282.2); c.2245G>C, p.Val749Leu (NM_001321283.2); c.1705G>C, p.Val569Leu (NM_001321285.2); short protein forms V387L, V569L, V808L, V778L, V749L, V923L.
Identifiers: ClinVar variation 1795752 (VCV001795752.4), dbSNP rs759518981, ClinGen allele CA9569644.

ClinVar aggregate classification (germline): Uncertain significance. Review status: criteria provided, multiple submitters, no conflicts (2 of 4 stars). 2 submissions from 2 submitters: Uncertain significance (2). Last evaluated 2024-10-27.

Conditions:
Cardiovascular phenotype. Identifiers: MedGen CN230736.
Progressive familial heart block type IB (PFHB1B). Identifiers: Orphanet 871, MedGen C1970298, MONDO:0011474, OMIM 604559.

gnomAD v4.1: 6 of 1,610,254 alleles (0.00037%); highest among the groups gnomAD compares: African/African-American, 0.004%; no homozygotes.

Submissions (2):

Labcorp Genetics (formerly Invitae), Labcorp
Classification: Uncertain significance for Progressive familial heart block type IB. Last evaluated: 2024-10-27. Review status: criteria provided, single submitter. Criteria: Invitae Variant Classification Sherloc (09022015). Collection method: clinical testing. Allele origin: germline.
Comment: This sequence change replaces valine, which is neutral and non-polar, with leucine, which is neutral and non-polar, at codon 923 of the TRPM4 protein (p.Val923Leu). This variant is present in population databases (rs759518981, gnomAD 0.007%). This variant has not been reported in the literature in individuals affected with TRPM4-related conditions. ClinVar contains an entry for this variant (Variation ID: 1795752). An algorithm developed to predict the effect of missense changes on protein structure and function (PolyPhen-2) suggests that this variant is likely to be disruptive. In summary, the available evidence is currently insufficient to determine the role of this variant in disease. Therefore, it has been classified as a Variant of Uncertain Significance.

Ambry Genetics
Classification: Uncertain significance for Cardiovascular phenotype. Last evaluated: 2022-08-27. Review status: criteria provided, single submitter. Criteria: Ambry Variant Classification Scheme 2023. Collection method: clinical testing. Allele origin: germline.
Comment: The p.V923L variant (also known as c.2767G>C), located in coding exon 18 of the TRPM4 gene, results from a G to C substitution at nucleotide position 2767. The valine at codon 923 is replaced by leucine, an amino acid with highly similar properties. This amino acid position is highly conserved in available vertebrate species. In addition, this alteration is predicted to be deleterious by in silico analysis. Since supporting evidence is limited at this time, the clinical significance of this alteration remains unclear.